The following is an entry in ClinVar:

NM_001365276.2(TNXB):c.5789A>G (p.Asp1930Gly)

Gene: TNXB (tenascin XB; minus strand). Cytogenetic location: 6p21.33.
Variant type: single nucleotide variant.
Coding change: c.5789A>G on transcript NM_001365276.2 (MANE Select); coding-DNA position 5789, A replaced by G.
Protein change: p.Asp1930Gly; replaces aspartic acid 1930 with glycine.
Molecular consequence: missense variant.
Genome position (GRCh38, 1-based): chr6:32,068,935, T>C on the plus strand (A>G on the coding strand, the complement: TNXB is on the minus strand). VCF-style: chr6-32068935-T-C. GRCh37 (hg19) VCF-style: chr6-32036712-T-C.
Other names: p.Asp1930Gly; c.5789A>G, p.Asp1930Gly (NM_019105.8); short protein forms D1930G.
Identifiers: ClinVar variation 2398250 (VCV002398250.5), dbSNP rs376211204, ClinGen allele CA3734606.

ClinVar aggregate classification (germline): Uncertain significance. Review status: criteria provided, multiple submitters, no conflicts (2 of 4 stars). 3 submissions from 3 submitters: Uncertain significance (3). Last evaluated 2025-12-02.

Conditions:
Cardiovascular phenotype. Identifiers: MedGen CN230736.

Allele frequency attached by ClinVar (database versions not stated): gnomAD 0.00001; ExAC 0.00004; gnomAD exomes 0.00001; TOPMed 0.00001; ESP Exome Variant Server 0.00013.
gnomAD v4.1: 19 of 1,612,740 alleles (0.0012%); highest among the groups gnomAD compares: Non-Finnish European, 0.0015%; no homozygotes.

Submissions (3):

Ambry Genetics
Classification: Uncertain significance for Cardiovascular phenotype. Last evaluated: 2025-12-02. Review status: criteria provided, single submitter. Criteria: Ambry Variant Classification Scheme 2023. Collection method: clinical testing. Allele origin: germline.
Comment: The p.D1930G variant (also known as c.5789A>G), located in coding exon 15 of the TNXB gene, results from an A to G substitution at nucleotide position 5789. The aspartic acid at codon 1930 is replaced by glycine, an amino acid with similar properties. This amino acid position is conserved. In addition, this alteration is predicted to be tolerated by in silico analysis. Based on the available evidence, the clinical significance of this variant remains unclear.

Women's Health and Genetics/Laboratory Corporation of America, LabCorp
Classification: Uncertain significance. Last evaluated: 2025-07-30. Review status: criteria provided, single submitter. Criteria: LabCorp Variant Classification Summary - May 2015. Collection method: clinical testing. Allele origin: germline.
Comment: Variant summary: TNXB c.5789A>G (p.Asp1930Gly) results in a non-conservative amino acid change in the encoded protein sequence. Algorithms developed to predict the effect of missense changes on protein structure and function are either unavailable or do not agree on the potential impact of this missense change. The variant allele was found at a frequency of 2.5e-05 in 244418 control chromosomes. The available data on variant occurrences in the general population are insufficient to allow any conclusion about variant significance. To our knowledge, no occurrence of c.5789A>G in individuals affected with Ehlers-Danlos syndrome due to tenascin-X deficiency and no experimental evidence demonstrating its impact on protein function have been reported. ClinVar contains an entry for this variant (Variation ID: 2398250). Based on the evidence outlined above, the variant was classified as uncertain significance.

Mayo Clinic Laboratories, Mayo Clinic
Classification: Uncertain significance. Last evaluated: 2023-08-15. Review status: criteria provided, single submitter. Criteria: ACMG Guidelines, 2015. Collection method: clinical testing. Allele origin: germline. Observed: 1 variant allele.
Comment: BP4